The following is an entry in ClinVar:

NM_000384.3(APOB):c.12325C>A (p.Gln4109Lys)

Gene: APOB (apolipoprotein B; minus strand). Cytogenetic location: 2p24.1.
Variant type: single nucleotide variant.
Coding change: c.12325C>A on transcript NM_000384.3 (MANE Select); coding-DNA position 12325, C replaced by A.
Protein change: p.Gln4109Lys; replaces glutamine 4109 with lysine.
Molecular consequence: missense variant.
Genome position (GRCh38, 1-based): chr2:21,003,097, G>T on the plus strand (C>A on the coding strand, the complement: APOB is on the minus strand). VCF-style: chr2-21003097-G-T. GRCh37 (hg19) VCF-style: chr2-21225969-G-T.
Other names: short protein forms Q4109K.
Identifiers: ClinVar variation 4125726 (VCV004125726.2), dbSNP rs928519754.

ClinVar aggregate classification (germline): Uncertain significance (1 of 4 stars; one submission).

Conditions:
Cardiovascular phenotype. Identifiers: MedGen CN230736.

Allele frequency attached by ClinVar (database versions not stated): TOPMed below 0.00001; gnomAD 0.00001.
gnomAD v4.1: 15 of 1,596,300 alleles (0.00094%); highest among the groups gnomAD compares: Non-Finnish European, 0.0011%; no homozygotes.

Submission:

Ambry Genetics
Classification: Uncertain significance for Cardiovascular phenotype. Last evaluated: 2026-07-01. Review status: criteria provided, single submitter. Criteria: Ambry Variant Classification Scheme 2023. Collection method: clinical testing. Allele origin: germline.
Comment: The p.Q4109K variant (also known as c.12325C>A), located in coding exon 29 of the APOB gene, results from a C to A substitution at nucleotide position 12325. The glutamine at codon 4109 is replaced by lysine, an amino acid with similar properties. This amino acid position is conserved. In addition, this alteration is predicted to be tolerated by in silico analysis. Based on the available evidence, the clinical significance of this variant remains unclear.